The following is an entry in ClinVar:

NM_138694.4(PKHD1):c.5407_5411del (p.Leu1802_Lys1803insTer)

Gene: PKHD1 (PKHD1 ciliary IPT domain containing fibrocystin/polyductin; minus strand). Cytogenetic location: 6p12.2.
Variant type: Deletion.
Coding change: c.5407_5411del on transcript NM_138694.4 (MANE Select); coding-DNA positions 5407 to 5411, 5 bases deleted (AAGCG; older notation c.5407_5411delAAGCG).
Protein change: p.Leu1802_Lys1803insTer.
Molecular consequence: nonsense.
Genome position (GRCh38, 1-based): chr6:52,017,599-52,017,603, CGCTT deleted on the plus strand (AAGCG on the coding strand, the reverse complement: PKHD1 is on the minus strand); deleting any 5 consecutive bases within chr6:52,017,599-52,017,604 gives the same sequence; the c. name uses the placement nearest the transcript's 3' end. VCF-style (leftmost placement, unchanged base first): chr6-52017598-ACGCTT-A. GRCh37 (hg19) VCF-style: chr6-51882396-ACGCTT-A.
Other names: c.5407_5411del, p.Leu1802_Lys1803insTer (NM_170724.3).
Identifiers: ClinVar variation 4816694 (VCV004816694.1).
Genomic context (GRCh38, chr6:52,017,598, plus strand): 5'-GGCAACTGTCAAATCACACTGCACATAGGTGTGTCTGGCAGCCTCACAGCTGTCCTCCTC[ACGCTT>A]CAGGCCACACAGGAAGGCCAAGGACACTGCAGGAAACAGTCACCATTAGGAAAGAACCAC-3'

ClinVar aggregate classification (germline): Likely pathogenic (1 of 4 stars; one submission).

Conditions:
Autosomal recessive polycystic kidney disease (ARPKD). Also called: AR polycystic kidney disease. Identifiers: Orphanet 731, Orphanet 8378, MedGen C0085548, MeSH D017044, MONDO:0009889.

Submission:

Natera, Inc.
Classification: Likely pathogenic for Autosomal recessive polycystic kidney disease. Last evaluated: 2024-10-24. Review status: criteria provided, single submitter. Criteria: Natera Variant Classification Schema (03/2026). Collection method: clinical testing. Allele origin: germline.
Comment: The c.5407_5411del variant in PKHD1 is a frameshift variant predicted to shift the reading frame and introduce a stop codon. This variant is expected to result in nonsense mediated decay, truncation, or a dysfunctional protein product. This variant is rare in the general population with a frequency below the threshold expected for the associated phenotype(s). Given the available evidence, this variant is classified as Likely Pathogenic.